The following is an entry in ClinVar:

ClinVar aggregate classification (germline): Uncertain significance (1 of 4 stars; one submission).

Allele frequency attached by ClinVar (database versions not stated): gnomAD exomes below 0.00001.
gnomAD v4.1: 1 of 1,614,146 alleles (0.000062%); highest among the groups gnomAD compares: Admixed American, 0.0017%; no homozygotes.

Submission:

Ambry Genetics
Classification: Uncertain significance. Last evaluated: 2024-11-01. Review status: criteria provided, single submitter. Criteria: Ambry Variant Classification Scheme 2023. Collection method: clinical testing. Allele origin: germline.
Comment: The p.G1365R variant (also known as c.4093G>A), located in coding exon 4 of the ALPK2 gene, results from a G to A substitution at nucleotide position 4093. The glycine at codon 1365 is replaced by arginine, an amino acid with dissimilar properties. This amino acid position is conserved. In addition, this alteration is predicted to be tolerated by in silico analysis. Since supporting evidence is limited at this time, the clinical significance of this alteration remains unclear.

NM_052947.4(ALPK2):c.4093G>A (p.Gly1365Arg)

Genes: ALPK2 (alpha kinase 2; minus strand), LOC126862764 (BRD4-independent group 4 enhancer GRCh37_chr18:56202574-56203773; plus strand). Cytogenetic location: 18q21.31.
Variant type: single nucleotide variant.
Coding change: c.4093G>A on transcript NM_052947.4 (MANE Select); coding-DNA position 4093, G replaced by A.
Protein change: p.Gly1365Arg; replaces glycine 1365 with arginine.
Molecular consequence: missense variant.
Genome position (GRCh38, 1-based): chr18:58,536,094, C>T on the plus strand (G>A on the coding strand, the complement: ALPK2 is on the minus strand). VCF-style: chr18-58536094-C-T. GRCh37 (hg19) VCF-style: chr18-56203326-C-T.
Other names: short protein forms G1365R.
Identifiers: ClinVar variation 1737766 (VCV001737766.3), dbSNP rs1215756407, ClinGen allele CA402564400.
Genomic context (GRCh38, chr18:58,536,094, plus strand): 5'-GATCCATCTTGAGTTGTTTTTCCTCCTGGTCTTGACTCACATTGTTAACATTTTCCTTCC[C>T]TCCAGTTTCAGAAGCCGCTGACAGTGAATCTGTGACAGATAACTCCTTTTCATCTACAGG-3'
Protein context (NP_443179.3, residues 1355-1375): DSLSAASETG[Gly1365Arg]KENVNNVSQD